The following is an entry in ClinVar:

ClinVar aggregate classification (germline): Uncertain significance (1 of 4 stars; one submission).

Conditions:
Encephalopathy, acute, infection-induced (herpes-specific), susceptibility to, 1. Also called: Herpes simplex encephalitis, susceptibility to, 1. Identifiers: Orphanet 1930, MedGen C2750180, MONDO:0024563, OMIM 610551.

gnomAD v4.1: 8 of 1,613,964 alleles (0.0005%); highest among the groups gnomAD compares: South Asian, 0.0011%; no homozygotes.

Submission:

Labcorp Genetics (formerly Invitae), Labcorp
Classification: Uncertain significance for Encephalopathy, acute, infection-induced (herpes-specific), susceptibility to, 1. Last evaluated: 2026-01-11. Review status: criteria provided, single submitter. Criteria: Invitae Variant Classification Sherloc (09022015). Collection method: clinical testing. Allele origin: germline.
Comment: This sequence change replaces serine, which is neutral and polar, with phenylalanine, which is neutral and non-polar, at codon 775 of the TLR3 protein (p.Ser775Phe). This variant is present in population databases (no rsID available, gnomAD 0.002%). This variant has not been reported in the literature in individuals affected with TLR3-related conditions. ClinVar contains an entry for this variant (Variation ID: 1493308). An algorithm developed to predict the effect of missense changes on protein structure and function outputs the following: PolyPhen-2: "Benign". The phenylalanine amino acid residue is found in multiple mammalian species, which suggests that this missense change does not adversely affect protein function. In summary, the available evidence is currently insufficient to determine the role of this variant in disease. Therefore, it has been classified as a Variant of Uncertain Significance.

NM_003265.3(TLR3):c.2324C>T (p.Ser775Phe)

Gene: TLR3 (toll like receptor 3; plus strand). Cytogenetic location: 4q35.1.
Variant type: single nucleotide variant.
Coding change: c.2324C>T on transcript NM_003265.3 (MANE Select); coding-DNA position 2324, C replaced by T.
Protein change: p.Ser775Phe; replaces serine 775 with phenylalanine.
Molecular consequence: missense variant.
Genome position (GRCh38, 1-based): chr4:186,084,010, C>T. VCF-style: chr4-186084010-C-T. GRCh37 (hg19) VCF-style: chr4-187005164-C-T.
Other names: short protein forms S775F.
Identifiers: ClinVar variation 1493308 (VCV001493308.8), dbSNP rs759740878, ClinGen allele CA358936861.